The following is an entry in ClinVar:

NM_001923.5(DDB1):c.-6del

Gene: DDB1 (damage specific DNA binding protein 1; minus strand). Cytogenetic location: 11q12.2.
Variant type: Deletion.
Coding change: c.-6del on transcript NM_001923.5 (MANE Select); 6 bases upstream of the start codon, one base deleted (C; older notation c.-6delC).
Molecular consequence: 5 prime UTR variant.
Genome position (GRCh38, 1-based): chr11:61,332,974, G deleted on the plus strand (C on the coding strand, the reverse complement: DDB1 is on the minus strand); the first of 2 consecutive G bases (chr11:61,332,974-61,332,975); deleting either gives the same sequence. VCF-style (leftmost placement, unchanged base first): chr11-61332973-AG-A. GRCh37 (hg19) VCF-style: chr11-61100445-AG-A.
Identifiers: ClinVar variation 4083513 (VCV004083513.8).

ClinVar aggregate classification (germline): Likely benign (1 of 4 stars; one submission).

Submission:

CeGaT Center for Human Genetics Tuebingen
Classification: Likely benign. Last evaluated: 2026-07-01. Review status: criteria provided, single submitter. Criteria: CeGaT Center For Human Genetics Tuebingen Variant Classification Criteria Version 2. Collection method: clinical testing. Allele origin: germline. Affected: yes. Observed: 9 variant alleles.
Comment: DDB1: BP4, BS2